The following is an entry in ClinVar:

ClinVar aggregate classification (germline): Uncertain significance. Review status: criteria provided, multiple submitters, no conflicts (2 of 4 stars). 2 submissions from 2 submitters: Uncertain significance (2). Last evaluated 2022-09-14.

Allele frequency attached by ClinVar (database versions not stated): gnomAD exomes below 0.00001.
gnomAD v4.1: 1 of 1,611,950 alleles (0.000062%); highest among the groups gnomAD compares: Admixed American, 0.0017%; no homozygotes.

Submissions (2):

Labcorp Genetics (formerly Invitae), Labcorp
Classification: Uncertain significance. Last evaluated: 2022-09-14. Review status: criteria provided, single submitter. Criteria: Invitae Variant Classification Sherloc (09022015). Collection method: clinical testing. Allele origin: germline.
Comment: This sequence change replaces histidine, which is basic and polar, with tyrosine, which is neutral and polar, at codon 360 of the NR2E3 protein (p.His360Tyr). This variant is not present in population databases (gnomAD no frequency). This variant has not been reported in the literature in individuals affected with NR2E3-related conditions. Experimental studies and prediction algorithms are not available or were not evaluated, and the functional significance of this variant is currently unknown. In summary, the available evidence is currently insufficient to determine the role of this variant in disease. Therefore, it has been classified as a Variant of Uncertain Significance.

Blueprint Genetics
Classification: Uncertain significance. Last evaluated: 2017-06-19. Review status: criteria provided, single submitter. Criteria: ACMG Guidelines, 2015. Collection method: clinical testing. Allele origin: germline.

NM_014249.4(NR2E3):c.1078C>T (p.His360Tyr)

Gene: NR2E3 (nuclear receptor subfamily 2 group E member 3; plus strand). Cytogenetic location: 15q23.
Variant type: single nucleotide variant.
Coding change: c.1078C>T on transcript NM_014249.4 (MANE Select); coding-DNA position 1078, C replaced by T.
Protein change: p.His360Tyr; replaces histidine 360 with tyrosine.
Molecular consequence: missense variant.
Genome position (GRCh38, 1-based): chr15:71,814,095, C>T. VCF-style: chr15-71814095-C-T. GRCh37 (hg19) VCF-style: chr15-72106436-C-T.
Other names: c.1078C>T, p.His360Tyr (NM_016346.4); short protein forms H360Y.
Identifiers: ClinVar variation 1984897 (VCV001984897.2), dbSNP rs2543257335, ClinGen allele CA393039450.